The following is an entry in ClinVar:

ClinVar aggregate classification (germline): Uncertain significance. Review status: criteria provided, multiple submitters, no conflicts (2 of 4 stars). 2 submissions from 2 submitters: Uncertain significance (2). Last evaluated 2022-08-09.

Conditions:
Inborn genetic diseases. Identifiers: MedGen C0950123, MeSH D030342.
Brody myopathy. Also called: BRODY DISEASE. Identifiers: Orphanet 53347, MedGen C1832918, MONDO:0010977, OMIM 601003.

Allele frequency attached by ClinVar (database versions not stated): ExAC 0.00001; gnomAD 0.00002 and 0.00003; TOPMed 0.00002; gnomAD exomes 0.00003 and 0.00004.
gnomAD v4.1: 43 of 1,575,324 alleles (0.0027%); highest among the groups gnomAD compares: Non-Finnish European, 0.0036%; no homozygotes.

Submissions (2):

Labcorp Genetics (formerly Invitae), Labcorp
Classification: Uncertain significance for Brody myopathy. Last evaluated: 2022-08-09. Review status: criteria provided, single submitter. Criteria: Invitae Variant Classification Sherloc (09022015). Collection method: clinical testing. Allele origin: germline.
Comment: This sequence change replaces valine, which is neutral and non-polar, with isoleucine, which is neutral and non-polar, at codon 596 of the ATP2A1 protein (p.Val596Ile). This variant is present in population databases (rs747622909, gnomAD 0.006%). This variant has not been reported in the literature in individuals affected with ATP2A1-related conditions. ClinVar contains an entry for this variant (Variation ID: 1002532). Algorithms developed to predict the effect of missense changes on protein structure and function (SIFT, PolyPhen-2, Align-GVGD) all suggest that this variant is likely to be tolerated. In summary, the available evidence is currently insufficient to determine the role of this variant in disease. Therefore, it has been classified as a Variant of Uncertain Significance.

Ambry Genetics
Classification: Uncertain significance for Inborn genetic diseases. Last evaluated: 2021-11-22. Review status: criteria provided, single submitter. Criteria: Ambry Variant Classification Scheme 2023. Collection method: clinical testing. Allele origin: germline.

NM_004320.6(ATP2A1):c.1786G>A (p.Val596Ile)

Gene: ATP2A1 (ATPase sarcoplasmic/endoplasmic reticulum Ca2+ transporting 1; plus strand). Cytogenetic location: 16p11.2.
Variant type: single nucleotide variant.
Coding change: c.1786G>A on transcript NM_004320.6 (MANE Select); coding-DNA position 1786, G replaced by A.
Protein change: p.Val596Ile; replaces valine 596 with isoleucine.
Molecular consequence: missense variant.
Genome position (GRCh38, 1-based): chr16:28,900,602, G>A. VCF-style: chr16-28900602-G-A. GRCh37 (hg19) VCF-style: chr16-28911923-G-A.
Other names: c.1786G>A (NM_173201.3); c.1411G>A, p.Val471Ile (NM_001286075.2); c.1786G>A, p.Val596Ile (NM_173201.5); short protein forms V471I, V596I.
Identifiers: ClinVar variation 1002532 (VCV001002532.5), dbSNP rs747622909, ClinGen allele CA7987086.